The following is an entry in ClinVar:

NM_001167.4(XIAP):c.658C>T (p.His220Tyr)

Gene: XIAP (X-linked inhibitor of apoptosis; plus strand). Cytogenetic location: Xq25.
Variant type: single nucleotide variant.
Coding change: c.658C>T on transcript NM_001167.4 (MANE Select); coding-DNA position 658, C replaced by T.
Protein change: p.His220Tyr; replaces histidine 220 with tyrosine.
Molecular consequence: missense variant.
Genome position (GRCh38, 1-based): chrX:123,886,320, C>T. VCF-style: chrX-123886320-C-T. GRCh37 (hg19) VCF-style: chrX-123020170-C-T.
Other names: c.658C>T, p.His220Tyr (NM_001204401.2, NM_001378590.1, NM_001378591.1 and 1 more transcripts); short protein forms H220Y.
Identifiers: ClinVar variation 4879545 (VCV004879545.2).
Genomic context (GRCh38, chrX:123,886,320, plus strand): 5'-TGCTTTTGTTGTGGTGGAAAACTGAAAAATTGGGAACCTTGTGATCGTGCCTGGTCAGAA[C>T]ACAGGCGACACTTTCCTAATTGCTTCTTTGTTTTGGGCCGGAATCTTAATATTCGAAGTG-3'
Protein context (NP_001158.2, residues 210-230): WEPCDRAWSE[His220Tyr]RRHFPNCFFV

ClinVar aggregate classification (germline): Likely pathogenic. Review status: criteria provided, multiple submitters, no conflicts (2 of 4 stars). 2 submissions from 2 submitters: Likely pathogenic (2). Last evaluated 2026-02-25.

Conditions:
X-linked lymphoproliferative disease due to XIAP deficiency. Also called: XIAP DEFICIENCY; XIAP-Related Lymphoproliferative Disease, X-Linked. Identifiers: Orphanet 2442, Orphanet 538934, MedGen C1845076, MONDO:0010385, OMIM 300635.

Submissions (2):

GeneDx
Classification: Likely pathogenic. Last evaluated: 2026-02-25. Review status: criteria provided, single submitter. Criteria: GeneDx Variant Classification Process June 2021. Collection method: clinical testing. Allele origin: germline.
Comment: Published functional studies suggest this variant is associated with impaired interaction with RIP2 (PMID: 38191507); In silico analysis supports that this missense variant has a deleterious effect on protein structure/function; Not observed at significant frequency in large population cohorts (gnomAD); This variant is associated with the following publications: (PMID: Garca-Jimnez2025[preprint], 24942515, 34920033, 38191507)

Clinical Genomics Laboratory, Washington University in St. Louis
Classification: Likely pathogenic for X-linked lymphoproliferative disease due to XIAP deficiency. Last evaluated: 2025-12-05. Review status: criteria provided, single submitter. Criteria: ACMG Guidelines, 2015. Collection method: clinical testing. Allele origin: germline. Affected: yes.
Comment: This variant is absent from the general population (gnomAD v4.1.0), indicating it is not a common variant. This variant occurs in an amino acid critical for binding a zinc ion (Lukacs C et al., PMID: 23999295), and computational predictors indicate that the variant is damaging, evidence that correlates with impact on XIAP function. In support of this prediction, functional studies show this variant causes altered NOD2 activation and increased cell death (Chirieleison SM et al., PMID: 28404814). Based on available information and the ACMG/AMP guidelines for variant interpretation (Richards S et al., PMID: 25741868), this variant is classified as likely pathogenic.